The following is an entry in ClinVar:

NM_001377229.1(DISP1):c.352C>T (p.Gln118Ter)

Gene: DISP1 (dispatched RND transporter family member 1; plus strand). Cytogenetic location: 1q41.
Variant type: single nucleotide variant.
Coding change: c.352C>T on transcript NM_001377229.1 (MANE Select); coding-DNA position 352, C replaced by T.
Protein change: p.Gln118Ter; replaces glutamine 118 with a stop codon.
Molecular consequence: nonsense. On other transcripts: 5 prime UTR variant (1).
Genome position (GRCh38, 1-based): chr1:222,943,175, C>T. VCF-style: chr1-222943175-C-T. GRCh37 (hg19) VCF-style: chr1-223116517-C-T.
Other names: c.-536C>T (NM_001350630.2); c.352C>T, p.Gln118Ter (NM_001369594.1, NM_001377228.1, NM_032890.5); short protein forms Q118*.
Identifiers: ClinVar variation 5043479 (VCV005043479.1).

ClinVar aggregate classification (germline): Likely pathogenic (1 of 4 stars; one submission).

Conditions:
Holoprosencephaly 10. Identifiers: MedGen C2675857, MONDO:0976262, OMIM 621143.

Submission:

MVZ Martinsried, Medicover Genetics
Classification: Likely pathogenic for Holoprosencephaly 10. Last evaluated: 2026-07-27. Review status: criteria provided, single submitter. Criteria: ClinGen Variant Curation SOP V3.2 + Classification Guidance July2025. Collection method: clinical testing. Allele origin: de novo. Affected: yes. Observed: 1 heterozygote.
Comment: PVS1, PM2_Supporting